The following is an entry in ClinVar:

ClinVar aggregate classification (germline): Likely benign. Review status: criteria provided, multiple submitters, no conflicts (2 of 4 stars). 3 submissions from 3 submitters: Likely benign (2). 1 of the submissions does not count toward it. Last evaluated 2024-07-25.

Conditions:
CFD-related disorder. Also called: CFD-related condition.

Allele frequency attached by ClinVar (database versions not stated): TOPMed 0.00005; gnomAD 0.00007; ExAC 0.00009.
gnomAD v4.1: 39 of 1,600,558 alleles (0.0024%); highest among the groups gnomAD compares: East Asian, 0.078%; no homozygotes.

Submissions (3):

Labcorp Genetics (formerly Invitae), Labcorp
Classification: Likely benign. Last evaluated: 2024-07-25. Review status: criteria provided, single submitter. Criteria: Invitae Variant Classification Sherloc (09022015). Collection method: clinical testing. Allele origin: germline.

Blueprint Genetics
Classification: Likely benign. Last evaluated: 2022-11-23. Review status: criteria provided, single submitter. Criteria: ACMG Guidelines, 2015. Collection method: clinical testing. Allele origin: germline.

PreventionGenetics, part of Exact Sciences
Classification: Likely benign for CFD-related condition. Last evaluated: 2019-12-16. Review status: no assertion criteria provided. Collection method: clinical testing. Allele origin: germline. Not counted in ClinVar's aggregate classification.
Comment: This variant is classified as likely benign based on ACMG/AMP sequence variant interpretation guidelines (Richards et al. 2015 PMID: 25741868, with internal and published modifications).

NM_001928.4(CFD):c.309C>T (p.His103=)

Gene: CFD (complement factor D; plus strand). Cytogenetic location: 19p13.3.
Variant type: single nucleotide variant.
Coding change: c.309C>T on transcript NM_001928.4 (MANE Select); coding-DNA position 309, C replaced by T.
Protein change: p.His103=; no amino-acid change (histidine 103 retained).
Molecular consequence: synonymous variant.
Genome position (GRCh38, 1-based): chr19:860,957, C>T. VCF-style: chr19-860957-C-T. GRCh37 (hg19) VCF-style: chr19-860957-C-T.
Other names: c.330C>T, p.His110= (NM_001317335.2); c.309C>T (NM_001928.3).
Identifiers: ClinVar variation 2188074 (VCV002188074.7), dbSNP rs773904241, ClinGen allele CA9026296.